The following is an entry in ClinVar:

NM_019032.6(ADAMTSL4):c.3087T>C (p.Pro1029=)

Genes: ADAMTSL4 (ADAMTS like 4; plus strand), LOC129931410 (ATAC-STARR-seq lymphoblastoid active region 1691; plus strand). Cytogenetic location: 1q21.2.
Variant type: single nucleotide variant.
Coding change: c.3087T>C on transcript NM_019032.6 (MANE Select); coding-DNA position 3087, T replaced by C.
Protein change: p.Pro1029=; no amino-acid change (proline 1029 retained).
Molecular consequence: synonymous variant.
Genome position (GRCh38, 1-based): chr1:150,559,904, T>C. VCF-style: chr1-150559904-T-C. GRCh37 (hg19) VCF-style: chr1-150532380-T-C.
Other names: c.2970T>C, p.Pro990= (NM_001288607.2); c.3156T>C, p.Pro1052= (NM_001288608.2); c.3087T>C, p.Pro1029= (NM_001378596.1).
Identifiers: ClinVar variation 1501152 (VCV001501152.4), dbSNP rs371520527, ClinGen allele CA1078939.

ClinVar aggregate classification (germline): Uncertain significance (1 of 4 stars; one submission).

Allele frequency attached by ClinVar (database versions not stated): TOPMed below 0.00001; ExAC 0.00001; gnomAD exomes 0.00001; ESP Exome Variant Server 0.00008.
gnomAD v4.1: 9 of 1,613,878 alleles (0.00056%); highest among the groups gnomAD compares: Middle Eastern, 0.016%; no homozygotes.

Submission:

Labcorp Genetics (formerly Invitae), Labcorp
Classification: Uncertain significance. Last evaluated: 2025-12-16. Review status: criteria provided, single submitter. Criteria: Invitae Variant Classification Sherloc (09022015). Collection method: clinical testing. Allele origin: germline.
Comment: This sequence change affects codon 1029 of the ADAMTSL4 mRNA. It is a 'silent' change, meaning that it does not change the encoded amino acid sequence of the ADAMTSL4 protein. It affects a nucleotide within the consensus splice site. This variant is present in population databases (rs371520527, gnomAD 0.0009%). This variant has not been reported in the literature in individuals affected with ADAMTSL4-related conditions. ClinVar contains an entry for this variant (Variation ID: 1501152). Algorithms developed to predict the effect of sequence changes on RNA splicing suggest that this variant is not likely to affect RNA splicing. In summary, the available evidence is currently insufficient to determine the role of this variant in disease. Therefore, it has been classified as a Variant of Uncertain Significance.